The following is an entry in ClinVar:

NM_014363.6(SACS):c.13281_13282delinsAG (p.Tyr4428Asp)

Gene: SACS (sacsin molecular chaperone; minus strand). Cytogenetic location: 13q12.12.
Variant type: Indel.
Coding change: c.13281_13282delinsAG on transcript NM_014363.6 (MANE Select); coding-DNA positions 13281 to 13282, TT replaced by AG.
Protein change: p.Tyr4428Asp; replaces tyrosine 4428 with aspartic acid.
Molecular consequence: missense variant.
Genome position (GRCh38, 1-based): chr13:23,330,594-23,330,595, AA replaced by CT on the plus strand (TT replaced by AG on the coding strand, the reverse complement: SACS is on the minus strand). VCF-style: chr13-23330594-AA-CT. GRCh37 (hg19) VCF-style: chr13-23904733-AA-CT.
Other names: c.12840_12841delinsAG, p.Tyr4281Asp (NM_001278055.2); short protein forms Y4281D, Y4428D.
Identifiers: ClinVar variation 2061898 (VCV002061898.4), dbSNP rs2542140802, ClinGen allele CA2580086884.

ClinVar aggregate classification (germline): Uncertain significance (1 of 4 stars; one submission).

Conditions:
Spastic paraplegia. Identifiers: MedGen C0037772, HP:0001258.

Submission:

Labcorp Genetics (formerly Invitae), Labcorp
Classification: Uncertain significance for Spastic paraplegia. Last evaluated: 2024-12-09. Review status: criteria provided, single submitter. Criteria: Invitae Variant Classification Sherloc (09022015). Collection method: clinical testing. Allele origin: germline.
Comment: This sequence change replaces tyrosine, which is neutral and polar, with aspartic acid, which is acidic and polar, at codon 4428 of the SACS protein (p.Tyr4428Asp). Information on the frequency of this variant in the gnomAD database is not available, as this variant may be reported differently in the database. This variant has not been reported in the literature in individuals affected with SACS-related conditions. ClinVar contains an entry for this variant (Variation ID: 2061898). Experimental studies and prediction algorithms are not available or were not evaluated, and the functional significance of this variant is currently unknown. In summary, the available evidence is currently insufficient to determine the role of this variant in disease. Therefore, it has been classified as a Variant of Uncertain Significance.